The following is an entry in ClinVar:

NM_000824.5(GLRB):c.1197+3A>G

Gene: GLRB (glycine receptor beta; plus strand). Cytogenetic location: 4q32.1.
Variant type: single nucleotide variant.
Coding change: c.1197+3A>G on transcript NM_000824.5 (MANE Select); 3 bases into the intron after coding-DNA position 1197, A replaced by G.
Molecular consequence: intron variant.
Genome position (GRCh38, 1-based): chr4:157,153,013, A>G. VCF-style: chr4-157153013-A-G. GRCh37 (hg19) VCF-style: chr4-158074165-A-G.
Other names: c.904+9054A>G (NM_001166061.2); c.1197+3A>G (NM_001166060.2).
Identifiers: ClinVar variation 1463511 (VCV001463511.3), dbSNP rs369898129, ClinGen allele CA3119960.

ClinVar aggregate classification (germline): Uncertain significance (1 of 4 stars; one submission).

Conditions:
Hyperekplexia 2 (HKPX2). Identifiers: Orphanet 3197, MedGen C3553291, MONDO:0013828, OMIM 614619.

Allele frequency attached by ClinVar (database versions not stated): TOPMed 0.00005; ExAC 0.00006; gnomAD 0.00006 and 0.00007; gnomAD exomes 0.00006 and 0.00013; ESP Exome Variant Server 0.00008.
gnomAD v4.1: 196 of 1,610,910 alleles (0.012%); highest among the groups gnomAD compares: Non-Finnish European, 0.016%; no homozygotes.

Submission:

Labcorp Genetics (formerly Invitae), Labcorp
Classification: Uncertain significance for Hyperekplexia 2. Last evaluated: 2022-09-01. Review status: criteria provided, single submitter. Criteria: Invitae Variant Classification Sherloc (09022015). Collection method: clinical testing. Allele origin: germline.
Comment: This sequence change falls in intron 9 of the GLRB gene. It does not directly change the encoded amino acid sequence of the GLRB protein. It affects a nucleotide within the consensus splice site. This variant is present in population databases (rs369898129, gnomAD 0.01%). This variant has not been reported in the literature in individuals affected with GLRB-related conditions. ClinVar contains an entry for this variant (Variation ID: 1463511). Variants that disrupt the consensus splice site are a relatively common cause of aberrant splicing (PMID: 17576681, 9536098). Algorithms developed to predict the effect of sequence changes on RNA splicing suggest that this variant is not likely to affect RNA splicing. In summary, the available evidence is currently insufficient to determine the role of this variant in disease. Therefore, it has been classified as a Variant of Uncertain Significance.

Literature cited by the submitters: PubMed 17576681; PubMed 9536098.